The following is an entry in ClinVar:

ClinVar aggregate classification (germline): Uncertain significance (1 of 4 stars; one submission).

Allele frequency attached by ClinVar (database versions not stated): TOPMed below 0.00001.

Submission:

Labcorp Genetics (formerly Invitae), Labcorp
Classification: Uncertain significance. Last evaluated: 2023-05-15. Review status: criteria provided, single submitter. Criteria: Invitae Variant Classification Sherloc (09022015). Collection method: clinical testing. Allele origin: germline.
Comment: This sequence change replaces valine, which is neutral and non-polar, with methionine, which is neutral and non-polar, at codon 696 of the SON protein (p.Val696Met). This variant is present in population databases (rs754455099, gnomAD 0.0009%). This variant has not been reported in the literature in individuals affected with SON-related conditions. An algorithm developed to predict the effect of missense changes on protein structure and function (PolyPhen-2) suggests that this variant is likely to be disruptive. In summary, the available evidence is currently insufficient to determine the role of this variant in disease. Therefore, it has been classified as a Variant of Uncertain Significance.

NM_138927.4(SON):c.2086G>A (p.Val696Met)

Gene: SON (SON DNA and RNA binding protein; plus strand). Cytogenetic location: 21q22.11.
Variant type: single nucleotide variant.
Coding change: c.2086G>A on transcript NM_138927.4 (MANE Select); coding-DNA position 2086, G replaced by A.
Protein change: p.Val696Met; replaces valine 696 with methionine.
Molecular consequence: missense variant. On other transcripts: non-coding transcript variant (1), intron variant (1).
Genome position (GRCh38, 1-based): chr21:33,551,317, G>A. VCF-style: chr21-33551317-G-A. GRCh37 (hg19) VCF-style: chr21-34923623-G-A.
Other names: c.2086G>A, p.Val696Met (NM_001291411.2, NM_001412133.1, NM_032195.3 and 2 more transcripts); c.244+4938G>A (NM_001291412.3); short protein forms V696M.
Identifiers: ClinVar variation 2864607 (VCV002864607.3), dbSNP rs754455099, ClinGen allele CA10009021.